The following is an entry in ClinVar:

NM_000046.5(ARSB):c.1214-2A>T

Gene: ARSB (arylsulfatase B; minus strand). Cytogenetic location: 5q14.1.
Variant type: single nucleotide variant.
Coding change: c.1214-2A>T on transcript NM_000046.5 (MANE Select); the canonical splice acceptor site of the intron before coding-DNA position 1214, A replaced by T.
Molecular consequence: splice acceptor variant.
Genome position (GRCh38, 1-based): chr5:78,781,976, T>A on the plus strand (A>T on the coding strand, the complement: ARSB is on the minus strand). VCF-style: chr5-78781976-T-A. GRCh37 (hg19) VCF-style: chr5-78077799-T-A.
Identifiers: ClinVar variation 861786 (VCV000861786.11), dbSNP rs1554069808, ClinGen allele CA360340332.
Genomic context (GRCh38, chr5:78,781,976, plus strand): 5'-GGCTGAATATTCTGGAAGAGAAGAGTCATCCTTTGCTGGAGCCATGCTGTTCCTGGGACC[T>A]GGGAAGAAATAGTTTGAAAGAATTAGATCACTGTTATTGGAACGTGTTGTTATAAATCAG-3'

ClinVar aggregate classification (germline): Pathogenic/Likely pathogenic. Review status: criteria provided, multiple submitters, no conflicts (2 of 4 stars). 2 submissions from 2 submitters: Pathogenic (1); Likely pathogenic (1). Last evaluated 2023-08-24.

Conditions:
Mucopolysaccharidosis type 6 (MPS6). Also called: MPS VI; N-ACETYLGALACTOSAMINE-4-SULFATASE DEFICIENCY; ARSB DEFICIENCY; ARYLSULFATASE B DEFICIENCY; MPS 6; Maroteaux Lamy syndrome. Identifiers: Orphanet 583, MedGen C0026709, MONDO:0009661, OMIM 253200.

Submissions (2):

Baylor Genetics
Classification: Pathogenic for Mucopolysaccharidosis type 6. Last evaluated: 2023-08-24. Review status: criteria provided, single submitter. Criteria: ACMG Guidelines, 2015. Collection method: clinical testing. Allele origin: unknown.

Labcorp Genetics (formerly Invitae), Labcorp
Classification: Likely pathogenic for Mucopolysaccharidosis type 6. Last evaluated: 2019-04-29. Review status: criteria provided, single submitter. Criteria: Invitae Variant Classification Sherloc (09022015). Collection method: clinical testing. Allele origin: germline.
Comment: In summary, the currently available evidence indicates that the variant is pathogenic, but additional data are needed to prove that conclusively. Therefore, this variant has been classified as Likely Pathogenic. Donor and acceptor splice site variants typically lead to a loss of protein function (PMID: 16199547), and loss-of-function variants in ARSB are known to be pathogenic (PMID: 17458871, 22133300). Disruption of this splice site has been observed in an individual affected with mucopolysaccharidosis type VI (PMID: 17161971). This variant is not present in population databases (ExAC no frequency). This sequence change affects an acceptor splice site in intron 6 of the ARSB gene. It is expected to disrupt RNA splicing and likely results in an absent or disrupted protein product.

Literature cited by the submitters: PubMed 16199547 (cited by Labcorp Genetics (formerly Invitae), Labcorp); PubMed 17458871 (cited by Labcorp Genetics (formerly Invitae), Labcorp); PubMed 22133300 (cited by Labcorp Genetics (formerly Invitae), Labcorp); PubMed 17161971 (cited by Labcorp Genetics (formerly Invitae), Labcorp).